The following is an entry in ClinVar:

ClinVar aggregate classification (germline): Uncertain significance (1 of 4 stars; one submission).

Conditions:
CHARGE syndrome (CHARGE). Also called: Hittner Hirsch Kreh syndrome; CHARGE ASSOCIATION--COLOBOMA, HEART ANOMALY, CHOANAL ATRESIA, RETARDATION, GENITAL AND EAR ANOMALIES; Coloboma, heart anomaly, choanal atresia, retardation, genital and ear anomalies; CHARGE association; Hall-Hittner syndrome. Identifiers: Orphanet 138, MedGen C0265354, MONDO:0008965.

Submission:

Labcorp Genetics (formerly Invitae), Labcorp
Classification: Uncertain significance for CHARGE syndrome. Last evaluated: 2025-09-02. Review status: criteria provided, single submitter. Criteria: Invitae Variant Classification Sherloc (09022015). Collection method: clinical testing. Allele origin: germline.
Comment: This sequence change replaces asparagine, which is neutral and polar, with serine, which is neutral and polar, at codon 242 of the SEMA3E protein (p.Asn242Ser). This variant is not present in population databases (gnomAD no frequency). This variant has not been reported in the literature in individuals affected with SEMA3E-related conditions. Invitae Evidence Modeling of protein sequence and biophysical properties (such as structural, functional, and spatial information, amino acid conservation, physicochemical variation, residue mobility, and thermodynamic stability) indicates that this missense variant is not expected to disrupt SEMA3E protein function with a negative predictive value of 80%. In summary, the available evidence is currently insufficient to determine the role of this variant in disease. Therefore, it has been classified as a Variant of Uncertain Significance.

NM_012431.3(SEMA3E):c.725A>G (p.Asn242Ser)

Gene: SEMA3E (semaphorin 3E; minus strand). Cytogenetic location: 7q21.11.
Variant type: single nucleotide variant.
Coding change: c.725A>G on transcript NM_012431.3 (MANE Select); coding-DNA position 725, A replaced by G.
Protein change: p.Asn242Ser; replaces asparagine 242 with serine.
Molecular consequence: missense variant.
Genome position (GRCh38, 1-based): chr7:83,407,185, T>C on the plus strand (A>G on the coding strand, the complement: SEMA3E is on the minus strand). VCF-style: chr7-83407185-T-C. GRCh37 (hg19) VCF-style: chr7-83036501-T-C.
Other names: c.545A>G, p.Asn182Ser (NM_001178129.2); short protein forms N182S, N242S.
Identifiers: ClinVar variation 4746110 (VCV004746110.1).